The following is an entry in ClinVar:

ClinVar aggregate classification (germline): Likely benign (1 of 4 stars; one submission).

Allele frequency attached by ClinVar (database versions not stated): ESP Exome Variant Server 0.00015; TOPMed 0.00016; gnomAD exomes 0.00036; gnomAD 0.00041; ExAC 0.00073; 1000 Genomes Project 0.00200; 1000 Genomes Project 30x 0.00203.
gnomAD v4.1: 586 of 1,614,000 alleles (0.036%); highest among the groups gnomAD compares: Middle Eastern, 0.46%; 7 homozygotes.

Submission:

CeGaT Center for Human Genetics Tuebingen
Classification: Likely benign. Last evaluated: 2023-01-01. Review status: criteria provided, single submitter. Criteria: CeGaT Center For Human Genetics Tuebingen Variant Classification Criteria Version 2. Collection method: clinical testing. Allele origin: germline. Affected: yes. Observed: 1 variant allele.
Comment: OVOL1: BS2

NM_004561.4(OVOL1):c.157G>A (p.Glu53Lys)

Gene: OVOL1 (ovo like transcriptional repressor 1; plus strand). Cytogenetic location: 11q13.1.
Variant type: single nucleotide variant.
Coding change: c.157G>A on transcript NM_004561.4 (MANE Select); coding-DNA position 157, G replaced by A.
Protein change: p.Glu53Lys; replaces glutamic acid 53 with lysine.
Molecular consequence: missense variant.
Genome position (GRCh38, 1-based): chr11:65,794,087, G>A. VCF-style: chr11-65794087-G-A. GRCh37 (hg19) VCF-style: chr11-65561558-G-A.
Other names: short protein forms E53K.
Identifiers: ClinVar variation 2641972 (VCV002641972.24), dbSNP rs201370492, ClinGen allele CA6108571.